The following is an entry in ClinVar:

NM_001374736.1(DST):c.18836T>A (p.Leu6279Gln)

Gene: DST (dystonin; minus strand). Cytogenetic location: 6p12.1.
Variant type: single nucleotide variant.
Coding change: c.18836T>A on transcript NM_001374736.1 (MANE Select); coding-DNA position 18836, T replaced by A.
Protein change: p.Leu6279Gln; replaces leucine 6279 with glutamine.
Molecular consequence: missense variant.
Genome position (GRCh38, 1-based): chr6:56,509,818, A>T on the plus strand (T>A on the coding strand, the complement: DST is on the minus strand). VCF-style: chr6-56509818-A-T. GRCh37 (hg19) VCF-style: chr6-56374616-A-T.
Other names: c.12479T>A, p.Leu4160Gln (NM_001144769.5); c.12065T>A, p.Leu4022Gln (NM_001144770.2); c.18836T>A, p.Leu6279Gln (NM_001374722.1); c.17876T>A, p.Leu5959Gln (NM_001374729.1); c.11618T>A, p.Leu3873Gln (NM_001374730.1); c.18863T>A, p.Leu6288Gln (NM_001374734.1); c.11945T>A, p.Leu3982Gln (NM_001386100.1, NM_183380.4); c.10967T>A, p.Leu3656Gln (NM_015548.5); and 1 more; short protein forms L4022Q, L4160Q, L5959Q, L6279Q, L6288Q, L3873Q, L3982Q, L3656Q.
Identifiers: ClinVar variation 1438279 (VCV001438279.4), dbSNP rs374875756, ClinGen allele CA139196912.
Genomic context (GRCh38, chr6:56,509,818, plus strand): 5'-TTTTCACTGATCTGTTCCTTGATCTTCTCAACCTCTGCAGAGATAGAGGGTGGCTGCCTC[A>T]GACGTTCCACGATGCGTTCCAGGCTCTCAAGGATCTGATCTATCTTGTCATGGAACTAGG-3'
Protein context (NP_001361665.1, residues 6269-6289): LESLERIVER[Leu6279Gln]RQPPSISAEV

ClinVar aggregate classification (germline): Uncertain significance. Review status: criteria provided, multiple submitters, no conflicts (2 of 4 stars). 2 submissions from 2 submitters: Uncertain significance (2). Last evaluated 2026-07-22.

Conditions:
DST-related disorder. Also called: DST-related condition; DST-related disorders.
Epidermolysis bullosa simplex 3, localized or generalized intermediate, with BP230 deficiency (EBS3). Also called: Epidermolysis bullosa simplex, autosomal recessive 2; Epidermolysis bullosa simplex due to BP230 deficiency. Identifiers: Orphanet 412181, MedGen C3809470, MONDO:0014180, OMIM 615425.
Hereditary sensory and autonomic neuropathy type 6. Also called: HSAN VI; Neuropathy, hereditary sensory and autonomic, type VI. Identifiers: Orphanet 314381, MedGen C3539003, MONDO:0013839, OMIM 614653.

Allele frequency attached by ClinVar (database versions not stated): gnomAD exomes 0.00001; gnomAD 0.00002; TOPMed 0.00003; ESP Exome Variant Server 0.00008.
gnomAD v4.1: 8 of 1,613,616 alleles (0.0005%); highest among the groups gnomAD compares: Admixed American, 0.0033%; no homozygotes.

Submissions (2):

PreventionGenetics, part of Exact Sciences
Classification: Uncertain significance for DST-related condition. Last evaluated: 2026-07-22. Review status: criteria provided, single submitter. Criteria: ACMG Guidelines, 2015. Collection method: clinical testing. Allele origin: germline.
Comment: The DST c.12479T>A variant is predicted to result in the amino acid substitution p.Leu4160Gln. To our knowledge, this variant has not been reported in the literature. This variant is reported in 0.0057% of alleles in individuals of Latino descent in gnomAD. At this time, the clinical significance of this variant is uncertain due to the absence of conclusive functional and genetic evidence.

Labcorp Genetics (formerly Invitae), Labcorp
Classification: Uncertain significance for Epidermolysis bullosa simplex 3, localized or generalized intermediate, with BP230 deficiency; Hereditary sensory and autonomic neuropathy type 6. Last evaluated: 2022-05-18. Review status: criteria provided, single submitter. Criteria: Invitae Variant Classification Sherloc (09022015). Collection method: clinical testing. Allele origin: germline.
Comment: The DST gene has multiple clinically relevant transcripts. This variant occurs in alternate transcript NM_015548.4, and corresponds to NM_001723.5:c.*105699T>A in the primary transcript. This sequence change replaces leucine, which is neutral and non-polar, with glutamine, which is neutral and polar, at codon 3656 of the DST protein (p.Leu3656Gln). This variant is present in population databases (rs374875756, gnomAD 0.006%). This variant has not been reported in the literature in individuals affected with DST-related conditions. Experimental studies and prediction algorithms are not available or were not evaluated, and the functional significance of this variant is currently unknown. In summary, the available evidence is currently insufficient to determine the role of this variant in disease. Therefore, it has been classified as a Variant of Uncertain Significance.